The following is an entry in ClinVar:

ClinVar aggregate classification (germline): Uncertain significance (1 of 4 stars; one submission).

Allele frequency attached by ClinVar (database versions not stated): gnomAD 0.00002; gnomAD exomes 0.00008; TOPMed 0.00002.
gnomAD v4.1: 104 of 1,511,276 alleles (0.0069%); highest among the groups gnomAD compares: Non-Finnish European, 0.0088%; no homozygotes.

Submission:

Labcorp Genetics (formerly Invitae), Labcorp
Classification: Uncertain significance. Last evaluated: 2022-05-21. Review status: criteria provided, single submitter. Criteria: Invitae Variant Classification Sherloc (09022015). Collection method: clinical testing. Allele origin: germline.
Comment: This sequence change replaces alanine, which is neutral and non-polar, with threonine, which is neutral and polar, at codon 331 of the TYMP protein (p.Ala331Thr). The frequency data for this variant in the population databases is considered unreliable, as metrics indicate poor data quality at this position in the gnomAD database. This variant has not been reported in the literature in individuals affected with TYMP-related conditions. Advanced modeling of protein sequence and biophysical properties (such as structural, functional, and spatial information, amino acid conservation, physicochemical variation, residue mobility, and thermodynamic stability) performed at Invitae indicates that this missense variant is not expected to disrupt TYMP protein function. In summary, the available evidence is currently insufficient to determine the role of this variant in disease. Therefore, it has been classified as a Variant of Uncertain Significance.

NM_001953.5(TYMP):c.991G>A (p.Ala331Thr)

Genes: SCO2 (synthesis of cytochrome C oxidase 2; minus strand), TYMP (thymidine phosphorylase; minus strand), LOC130067862 (ATAC-STARR-seq lymphoblastoid silent region 13986; plus strand). Cytogenetic location: 22q13.33.
Variant type: single nucleotide variant.
Coding change: c.991G>A on transcript NM_001953.5 (MANE Select); coding-DNA position 991, G replaced by A.
Protein change: p.Ala331Thr; replaces alanine 331 with threonine.
Molecular consequence: missense variant. On other transcripts: 5 prime UTR variant (1).
Genome position (GRCh38, 1-based): chr22:50,526,414, C>T on the plus strand (G>A on the coding strand, the complement: TYMP is on the minus strand). VCF-style: chr22-50526414-C-T. GRCh37 (hg19) VCF-style: chr22-50964843-C-T.
Other names: c.991G>A, p.Ala331Thr (NM_001113755.3, NM_001113756.3, NM_001257988.1 and 1 more transcripts); c.-182G>A (NM_001169109.2); short protein forms A331T.
Identifiers: ClinVar variation 2157816 (VCV002157816.1), dbSNP rs936432894, ClinGen allele CA325560833.